The following is an entry in ClinVar:

NM_000350.3(ABCA4):c.3730G>A (p.Ala1244Thr)

Genes: ABCA4 (ATP binding cassette subfamily A member 4; minus strand), LOC126805794 (BRD4-independent group 4 enhancer GRCh37_chr1:94502188-94503387; plus strand). Cytogenetic location: 1p22.1.
Variant type: single nucleotide variant.
Coding change: c.3730G>A on transcript NM_000350.3 (MANE Select); coding-DNA position 3730, G replaced by A.
Protein change: p.Ala1244Thr; replaces alanine 1244 with threonine.
Molecular consequence: missense variant.
Genome position (GRCh38, 1-based): chr1:94,037,228, C>T on the plus strand (G>A on the coding strand, the complement: ABCA4 is on the minus strand). VCF-style: chr1-94037228-C-T. GRCh37 (hg19) VCF-style: chr1-94502784-C-T.
Other names: c.3508G>A, p.Ala1170Thr (NM_001425324.1); short protein forms A1244T, A1170T.
Identifiers: ClinVar variation 1910879 (VCV001910879.2), dbSNP rs374303695, ClinGen allele CA957844.

ClinVar aggregate classification (germline): Uncertain significance (1 of 4 stars; one submission).

Allele frequency attached by ClinVar (database versions not stated): gnomAD exomes below 0.00001; ExAC 0.00002; gnomAD 0.00005; TOPMed 0.00005; ESP Exome Variant Server 0.00015.
gnomAD v4.1: 13 of 1,614,098 alleles (0.00081%); highest among the groups gnomAD compares: African/African-American, 0.017%; no homozygotes.

Submission:

Labcorp Genetics (formerly Invitae), Labcorp
Classification: Uncertain significance. Last evaluated: 2022-07-20. Review status: criteria provided, single submitter. Criteria: Invitae Variant Classification Sherloc (09022015). Collection method: clinical testing. Allele origin: germline.
Comment: This sequence change replaces alanine, which is neutral and non-polar, with threonine, which is neutral and polar, at codon 1244 of the ABCA4 protein (p.Ala1244Thr). This variant is present in population databases (rs374303695, gnomAD 0.02%). This variant has not been reported in the literature in individuals affected with ABCA4-related conditions. Advanced modeling of protein sequence and biophysical properties (such as structural, functional, and spatial information, amino acid conservation, physicochemical variation, residue mobility, and thermodynamic stability) performed at Invitae indicates that this missense variant is not expected to disrupt ABCA4 protein function. In summary, the available evidence is currently insufficient to determine the role of this variant in disease. Therefore, it has been classified as a Variant of Uncertain Significance.